The following is an entry in ClinVar:

ClinVar aggregate classification (germline): Uncertain significance (1 of 4 stars; one submission).

Submission:

Women's Health and Genetics/Laboratory Corporation of America, LabCorp
Classification: Uncertain significance. Last evaluated: 2023-10-13. Review status: criteria provided, single submitter. Criteria: LabCorp Variant Classification Summary - May 2015. Collection method: clinical testing. Allele origin: germline.
Comment: Variant summary: The variant identified by MLPA or other technology involves the duplication of exons 1-4 in the PANK2 gene. The exact breakpoint at the 5' end of this variant is unknown and therefore this duplication might extend upstream of the assayed region of the PANK2 gene. A presumed nomenclature of c.(?_-179)_(1412+1_1413-1)dup has been designated for the purposes of this classification. It has been assumed that this is a tandem duplication in direct orientation (Richardson_GIM_2018, Newman_AJHG_2015). Since the exact breakpoints of this duplication are not known, it is not possible to predict if it causes an in-frame or an out-of-frame product. The variant was absent in 21688 control chromosomes (gnomAD, structural variants dataset). The available data on variant occurrences in the general population are insufficient to allow any conclusion about variant significance. To our knowledge, no occurrence of c.(?_-179)_(1412+1_1413-1)dup in individuals affected with Pantothenate Kinase-Associated Neurodegeneration and no experimental evidence demonstrating its impact on protein function have been reported. One submitter has cited a clinical-significance assessment for this variant to ClinVar after 2014 and has classified the variant as uncertain significance. In conclusion, while it may be assumed that duplication variants including a large DNA segment upstream of the gene (i.e. containing essential promoter- and regulatory elements) can result in regular transcription initiation leading to in an intact protein product, shorter tandem duplication variants could result in a frameshift or in-frame duplication change causing disease. Since it is not possible to distinguish between these two outcomes in the context of this evaluation, the variant was classified as uncertain significance.

NC_000020.10:g.(?_3869569)_(3893282_3897573)dup

Gene: PANK2 (pantothenate kinase 2; plus strand). Cytogenetic location: 20p13.
Variant type: Duplication.
Identifiers: ClinVar variation 2637736 (VCV002637736.1).